The following is an entry in ClinVar:

NM_002968.3(SALL1):c.3696C>G (p.Ser1232Arg)

Gene: SALL1 (spalt like transcription factor 1; minus strand). Cytogenetic location: 16q12.1.
Variant type: single nucleotide variant.
Coding change: c.3696C>G on transcript NM_002968.3 (MANE Select); coding-DNA position 3696, C replaced by G.
Protein change: p.Ser1232Arg; replaces serine 1232 with arginine.
Molecular consequence: missense variant.
Genome position (GRCh38, 1-based): chr16:51,137,391, G>C on the plus strand (C>G on the coding strand, the complement: SALL1 is on the minus strand). VCF-style: chr16-51137391-G-C. GRCh37 (hg19) VCF-style: chr16-51171302-G-C.
Other names: c.3405C>G, p.Ser1135Arg (NM_001127892.2); short protein forms S1232R, S1135R.
Identifiers: ClinVar variation 2398773 (VCV002398773.5), dbSNP rs114000443, ClinGen allele CA8052851.

ClinVar aggregate classification (germline): Uncertain significance. Review status: criteria provided, multiple submitters, no conflicts (2 of 4 stars). 2 submissions from 2 submitters: Uncertain significance (2). Last evaluated 2025-06-12.

Conditions:
Inborn genetic diseases. Identifiers: MedGen C0950123, MeSH D030342.
Townes syndrome (TBS). Also called: Townes-Brocks syndrome. Identifiers: Orphanet 857, MedGen C0265246, MeSH C536974, MONDO:0007142.

Allele frequency attached by ClinVar (database versions not stated): gnomAD 0.00006; TOPMed 0.00006; 1000 Genomes Project 30x 0.00016; ExAC 0.00003; 1000 Genomes Project 0.00020; ESP Exome Variant Server 0.00023.
gnomAD v4.1: 17 of 1,614,166 alleles (0.0011%); highest among the groups gnomAD compares: African/African-American, 0.021%; no homozygotes.

Submissions (2):

Labcorp Genetics (formerly Invitae), Labcorp
Classification: Uncertain significance for Townes syndrome. Last evaluated: 2025-06-12. Review status: criteria provided, single submitter. Criteria: Invitae Variant Classification Sherloc (09022015). Collection method: clinical testing. Allele origin: germline.
Comment: This sequence change replaces serine, which is neutral and polar, with arginine, which is basic and polar, at codon 1232 of the SALL1 protein (p.Ser1232Arg). This variant is present in population databases (rs114000443, gnomAD 0.03%). This variant has not been reported in the literature in individuals affected with SALL1-related conditions. ClinVar contains an entry for this variant (Variation ID: 2398773). An algorithm developed to predict the effect of missense changes on protein structure and function (PolyPhen-2) suggests that this variant is likely to be tolerated. In summary, the available evidence is currently insufficient to determine the role of this variant in disease. Therefore, it has been classified as a Variant of Uncertain Significance.

Ambry Genetics
Classification: Uncertain significance for Inborn genetic diseases. Last evaluated: 2021-07-26. Review status: criteria provided, single submitter. Criteria: Ambry Variant Classification Scheme 2023. Collection method: clinical testing. Allele origin: germline.